The following is an entry in ClinVar:

NM_198252.3(GSN):c.649G>A (p.Glu217Lys)

Gene: GSN (gelsolin; plus strand). Cytogenetic location: 9q33.2.
Variant type: single nucleotide variant.
Coding change: c.649G>A on transcript NM_198252.3 (MANE Select); coding-DNA position 649, G replaced by A.
Protein change: p.Glu217Lys; replaces glutamic acid 217 with lysine.
Molecular consequence: missense variant. On other transcripts: 5 prime UTR variant (1).
Genome position (GRCh38, 1-based): chr9:121,312,474, G>A. VCF-style: chr9-121312474-G-A. GRCh37 (hg19) VCF-style: chr9-124074752-G-A.
Other names: c.802G>A, p.Glu268Lys (NM_000177.5); c.649G>A, p.Glu217Lys (NM_001127662.2, NM_001127664.2, NM_001127665.2 and 10 more transcripts); c.757G>A, p.Glu253Lys (NM_001127663.2); c.682G>A, p.Glu228Lys (NM_001127666.2, NM_001127667.2, NM_001353063.2 and 13 more transcripts); c.700G>A, p.Glu234Lys (NM_001258029.2); c.673G>A, p.Glu225Lys (NM_001258030.2); c.721G>A, p.Glu241Lys (NM_001353076.2); c.-6G>A (NM_001353078.2); short protein forms E217K, E253K, E228K, E234K, E225K, E241K, E268K.
Identifiers: ClinVar variation 2735323 (VCV002735323.4), dbSNP rs757836648, ClinGen allele CA5220958.

ClinVar aggregate classification (germline): Uncertain significance. Review status: criteria provided, multiple submitters, no conflicts (2 of 4 stars). 2 submissions from 2 submitters: Uncertain significance (2). Last evaluated 2024-05-31.

Conditions:
Finnish type amyloidosis. Also called: AMYLOID CRANIAL NEUROPATHY WITH LATTICE CORNEAL DYSTROPHY; AMYLOIDOSIS DUE TO MUTANT GELSOLIN; Lattice corneal dystrophy associated with familial systemic amyloidosis; Meretoja's syndrome; Lattice dystrophy of the cornea with hereditary generalized amyloidosis; AMYLOIDOSIS, HEREDITARY SYSTEMIC 4, FINNISH TYPE. Identifiers: Orphanet 85448, MedGen C1622345, MONDO:0007097, OMIM 105120.

Allele frequency attached by ClinVar (database versions not stated): gnomAD 0.00001; ExAC 0.00002.

Submissions (2):

Labcorp Genetics (formerly Invitae), Labcorp
Classification: Uncertain significance. Last evaluated: 2024-05-31. Review status: criteria provided, single submitter. Criteria: Invitae Variant Classification Sherloc (09022015). Collection method: clinical testing. Allele origin: germline.
Comment: This sequence change replaces glutamic acid, which is acidic and polar, with lysine, which is basic and polar, at codon 268 of the GSN protein (p.Glu268Lys). This variant is present in population databases (rs757836648, gnomAD 0.005%). This missense change has been observed in individual(s) with GSN-related conditions (PMID: 28620717). Advanced modeling of protein sequence and biophysical properties (such as structural, functional, and spatial information, amino acid conservation, physicochemical variation, residue mobility, and thermodynamic stability) performed at Invitae indicates that this missense variant is not expected to disrupt GSN protein function with a negative predictive value of 80%. In summary, the available evidence is currently insufficient to determine the role of this variant in disease. Therefore, it has been classified as a Variant of Uncertain Significance.

Fulgent Genetics
Classification: Uncertain significance for Finnish type amyloidosis. Last evaluated: 2024-03-13. Review status: criteria provided, single submitter. Criteria: ACMG Guidelines, 2015. Collection method: clinical testing. Allele origin: germline.

Literature cited by the submitters: PubMed 28620717 (cited by Labcorp Genetics (formerly Invitae), Labcorp).